The following is an entry in ClinVar:

ClinVar aggregate classification (germline): Uncertain significance (1 of 4 stars; one submission).

Submission:

Labcorp Genetics (formerly Invitae), Labcorp
Classification: Uncertain significance. Last evaluated: 2022-07-27. Review status: criteria provided, single submitter. Criteria: Invitae Variant Classification Sherloc (09022015). Collection method: clinical testing. Allele origin: germline.
Comment: In summary, the available evidence is currently insufficient to determine the role of this variant in disease. Therefore, it has been classified as a Variant of Uncertain Significance. Algorithms developed to predict the effect of missense changes on protein structure and function (SIFT, PolyPhen-2, Align-GVGD) all suggest that this variant is likely to be disruptive. This variant has not been reported in the literature in individuals affected with VCAN-related conditions. This variant is not present in population databases (gnomAD no frequency). This sequence change replaces arginine, which is basic and polar, with serine, which is neutral and polar, at codon 233 of the VCAN protein (p.Arg233Ser).

NM_004385.5(VCAN):c.697C>A (p.Arg233Ser)

Gene: VCAN (versican; plus strand). Cytogenetic location: 5q14.2.
Variant type: single nucleotide variant.
Coding change: c.697C>A on transcript NM_004385.5 (MANE Select); coding-DNA position 697, C replaced by A.
Protein change: p.Arg233Ser; replaces arginine 233 with serine.
Molecular consequence: missense variant.
Genome position (GRCh38, 1-based): chr5:83,493,880, C>A. VCF-style: chr5-83493880-C-A. GRCh37 (hg19) VCF-style: chr5-82789699-C-A.
Other names: c.697C>A, p.Arg233Ser (NM_001126336.3, NM_001164097.2, NM_001164098.2); short protein forms R233S.
Identifiers: ClinVar variation 1713933 (VCV001713933.5), dbSNP rs920889651, ClinGen allele CA360296906.